The following is an entry in ClinVar:

Single allele

Gene: STRA8 (stimulated by retinoic acid 8; plus strand). Cytogenetic location: 7q33.
Variant type: Deletion.
Identifiers: ClinVar variation 5021148 (VCV005021148.1).

ClinVar aggregate classification (germline): Pathogenic (1 of 4 stars; one submission).

Conditions:
Spermatogenic Failure. Identifiers: MedGen C3553794, MONDO:0004983.

Submission:

Conrad Lab, Oregon Health and Science University
Classification: Pathogenic for Spermatogenic Failure. Last evaluated: 2026-09-29. Review status: criteria provided, single submitter. Criteria: ACMG Guidelines, 2015. Collection method: research. Allele origin: germline. Affected: yes. Observed: 1 variant allele. Study: GEMINI.
Comment: The submitted Pathogenic interpretation is based on the predicted gene-disrupting deletion and the concordant spermatogenic phenotype, as assessed in the manuscript and author review. The supplied evidence does not document event-specific experimental validation or a formal variant-level ACMG/ClinGen scoring calculation. Coordinates are minimum bounds.